The following is an entry in ClinVar:

NM_015346.4(ZFYVE26):c.5723T>C (p.Val1908Ala)

Gene: ZFYVE26 (zinc finger FYVE-type containing 26; minus strand). Cytogenetic location: 14q24.1.
Variant type: single nucleotide variant.
Coding change: c.5723T>C on transcript NM_015346.4 (MANE Select); coding-DNA position 5723, T replaced by C.
Protein change: p.Val1908Ala; replaces valine 1908 with alanine.
Molecular consequence: missense variant.
Genome position (GRCh38, 1-based): chr14:67,767,771, A>G on the plus strand (T>C on the coding strand, the complement: ZFYVE26 is on the minus strand). VCF-style: chr14-67767771-A-G. GRCh37 (hg19) VCF-style: chr14-68234488-A-G.
Other names: short protein forms V1908A.
Identifiers: ClinVar variation 2146012 (VCV002146012.1), dbSNP rs1056236985, ClinGen allele CA262828964.
Genomic context (GRCh38, chr14:67,767,771, plus strand): 5'-TAGTAAAATTCACTCCGCACCAGCTCATTTTCCTCCTCTTTGAGATCCAAAATCCATTCC[A>G]CCTCATCTGCTTTGGGGACTCTCACCACAAACGAGTATGGAGGGCTTTCATTCTTGGAGC-3'
Protein context (NP_056161.2, residues 1898-1918): FVVRVPKADE[Val1908Ala]EWILDLKEEE

ClinVar aggregate classification (germline): Uncertain significance (1 of 4 stars; one submission).

Conditions:
Spastic paraplegia. Identifiers: MedGen C0037772, HP:0001258.

Allele frequency attached by ClinVar (database versions not stated): gnomAD exomes below 0.00001; gnomAD 0.00001.
gnomAD v4.1: 8 of 1,613,910 alleles (0.0005%); highest among the groups gnomAD compares: African/African-American, 0.0067%; no homozygotes.

Submission:

Labcorp Genetics (formerly Invitae), Labcorp
Classification: Uncertain significance for Spastic paraplegia. Last evaluated: 2022-06-25. Review status: criteria provided, single submitter. Criteria: Invitae Variant Classification Sherloc (09022015). Collection method: clinical testing. Allele origin: germline.
Comment: This sequence change replaces valine, which is neutral and non-polar, with alanine, which is neutral and non-polar, at codon 1908 of the ZFYVE26 protein (p.Val1908Ala). This variant is present in population databases (no rsID available, gnomAD 0.008%). This variant has not been reported in the literature in individuals affected with ZFYVE26-related conditions. Algorithms developed to predict the effect of missense changes on protein structure and function (SIFT, PolyPhen-2, Align-GVGD) all suggest that this variant is likely to be tolerated. In summary, the available evidence is currently insufficient to determine the role of this variant in disease. Therefore, it has been classified as a Variant of Uncertain Significance.